The following is an entry in ClinVar:

ClinVar aggregate classification (germline): Uncertain significance. Review status: criteria provided, multiple submitters, no conflicts (2 of 4 stars). 2 submissions from 2 submitters: Uncertain significance (2). Last evaluated 2023-11-02.

Conditions:
Cardiovascular phenotype. Identifiers: MedGen CN230736.
Catecholaminergic polymorphic ventricular tachycardia (CVPT). Also called: Catecholamine-induced polymorphic ventricular tachycardia. Identifiers: Orphanet 3286, MedGen C5574922, MONDO:0017990.

Allele frequency attached by ClinVar (database versions not stated): gnomAD exomes below 0.00001.
gnomAD v4.1: 3 of 1,613,470 alleles (0.00019%); highest among the groups gnomAD compares: Non-Finnish European, 0.00025%; no homozygotes.

Submissions (2):

All of Us Research Program, National Institutes of Health
Classification: Uncertain significance for Catecholaminergic polymorphic ventricular tachycardia. Last evaluated: 2023-11-02. Review status: criteria provided, single submitter. Criteria: ACMG Guidelines, 2015. Collection method: clinical testing. Allele origin: germline. Inheritance: Autosomal dominant inheritance. Observed: 1 variant allele, 1 heterozygote.
Comment: This missense variant replaces aspartic acid with glycine at codon 4798 of the RYR2 protein. Computational prediction suggests that this variant may have deleterious impact on protein structure and function (internally defined REVEL score threshold >= 0.7, PMID: 27666373). To our knowledge, functional studies have not been reported for this variant. This variant has not been reported in individuals affected with RYR2-related disorders in the literature. This variant has not been identified in the general population by the Genome Aggregation Database (gnomAD). The available evidence is insufficient to determine the role of this variant in disease conclusively. Therefore, this variant is classified as a Variant of Uncertain Significance.

This study involves interpretation of variants in research participants for the purpose of population health screening. Participant phenotype was not available at the time of variant classification. Additional details can be found in publication PMID: 35346344, PMCID: PMC8962531

Ambry Genetics
Classification: Uncertain significance for Cardiovascular phenotype. Last evaluated: 2023-03-23. Review status: criteria provided, single submitter. Criteria: Ambry Variant Classification Scheme 2023. Collection method: clinical testing. Allele origin: germline.
Comment: The p.D4798G variant (also known as c.14393A>G), located in coding exon 100 of the RYR2 gene, results from an A to G substitution at nucleotide position 14393. The aspartic acid at codon 4798 is replaced by glycine, an amino acid with similar properties. This amino acid position is highly conserved in available vertebrate species. In addition, this alteration is predicted to be deleterious by in silico analysis. Since supporting evidence is limited at this time, the clinical significance of this alteration remains unclear.

NM_001035.3(RYR2):c.14393A>G (p.Asp4798Gly)

Gene: RYR2 (ryanodine receptor 2; plus strand). Cytogenetic location: 1q43.
Variant type: single nucleotide variant.
Coding change: c.14393A>G on transcript NM_001035.3 (MANE Select); coding-DNA position 14393, A replaced by G.
Protein change: p.Asp4798Gly; replaces aspartic acid 4798 with glycine.
Molecular consequence: missense variant.
Genome position (GRCh38, 1-based): chr1:237,808,995, A>G. VCF-style: chr1-237808995-A-G. GRCh37 (hg19) VCF-style: chr1-237972295-A-G.
Other names: short protein forms D4798G.
Identifiers: ClinVar variation 2568253 (VCV002568253.3), dbSNP rs2528175410, ClinGen allele CA345424416.